The following is an entry in ClinVar:

ClinVar aggregate classification (germline): Uncertain significance (1 of 4 stars; one submission).

Submission:

Labcorp Genetics (formerly Invitae), Labcorp
Classification: Uncertain significance. Last evaluated: 2025-12-24. Review status: criteria provided, single submitter. Criteria: Invitae Variant Classification Sherloc (09022015). Collection method: clinical testing. Allele origin: germline.
Comment: This sequence change replaces cysteine, which is neutral and slightly polar, with tryptophan, which is neutral and slightly polar, at codon 407 of the POLE protein (p.Cys407Trp). This variant is not present in population databases (gnomAD no frequency). This variant has not been reported in the literature in individuals affected with POLE-related conditions. ClinVar contains an entry for this variant (Variation ID: 1009630). Invitae Evidence Modeling of protein sequence and biophysical properties (such as structural, functional, and spatial information, amino acid conservation, physicochemical variation, residue mobility, and thermodynamic stability) indicates that this missense variant is expected to disrupt POLE protein function with a positive predictive value of 80%. In summary, the available evidence is currently insufficient to determine the role of this variant in disease. Therefore, it has been classified as a Variant of Uncertain Significance.

NM_006231.4(POLE):c.1221C>G (p.Cys407Trp)

Gene: POLE (DNA polymerase epsilon, catalytic subunit; minus strand). Cytogenetic location: 12q24.33.
Variant type: single nucleotide variant.
Coding change: c.1221C>G on transcript NM_006231.4 (MANE Select); coding-DNA position 1221, C replaced by G.
Protein change: p.Cys407Trp; replaces cysteine 407 with tryptophan.
Molecular consequence: missense variant.
Genome position (GRCh38, 1-based): chr12:132,675,403, G>C on the plus strand (C>G on the coding strand, the complement: POLE is on the minus strand). VCF-style: chr12-132675403-G-C. GRCh37 (hg19) VCF-style: chr12-133251989-G-C.
Other names: short protein forms C407W.
Identifiers: ClinVar variation 1009630 (VCV001009630.10), dbSNP rs2043023127, ClinGen allele CA387360659.